The following is an entry in ClinVar:

ClinVar aggregate classification (germline): Uncertain significance (1 of 4 stars; one submission).

Conditions:
Hereditary cancer-predisposing syndrome. Also called: Hereditary Cancer Syndrome; Hereditary neoplastic syndrome; Neoplastic Syndromes, Hereditary; Tumor predisposition. Identifiers: Orphanet 140162, MedGen C0027672, MeSH D009386, MONDO:0015356.

Submission:

Ambry Genetics
Classification: Uncertain significance for Hereditary cancer-predisposing syndrome. Last evaluated: 2023-04-25. Review status: criteria provided, single submitter. Criteria: Ambry Variant Classification Scheme 2023. Collection method: clinical testing. Allele origin: germline.
Comment: The p.R2151S variant (also known as c.6453A>T), located in coding exon 44 of the ATM gene, results from a A to T substitution at nucleotide position 6453. This variant impacts the first base pair of coding exon 44. The arginine at codon 2151 is replaced by serine, an amino acid with dissimilar properties. This amino acid position is highly conserved in available vertebrate species. In addition, this alteration is predicted to be deleterious by in silico analysis. Since supporting evidence is limited at this time, the clinical significance of this alteration remains unclear.

NM_000051.4(ATM):c.6453A>T (p.Arg2151Ser)

Genes: ATM (ATM serine/threonine kinase; plus strand), C11orf65 (chromosome 11 open reading frame 65; minus strand). Cytogenetic location: 11q22.3.
Variant type: single nucleotide variant.
Coding change: c.6453A>T on transcript NM_000051.4 (MANE Select); coding-DNA position 6453, A replaced by T.
Protein change: p.Arg2151Ser; replaces arginine 2151 with serine.
Molecular consequence: missense variant. On other transcripts: intron variant (2).
Genome position (GRCh38, 1-based): chr11:108,321,301, A>T. VCF-style: chr11-108321301-A-T. GRCh37 (hg19) VCF-style: chr11-108192028-A-T.
Other names: c.6453A>T, p.Arg2151Ser (NM_001351834.2); c.641-12230T>A (NM_001330368.2); c.*39-12230T>A (NM_001351110.2); short protein forms R2151S.
Identifiers: ClinVar variation 2568184 (VCV002568184.2), dbSNP rs2136238380, ClinGen allele CA382553809.